The following is an entry in ClinVar:

ClinVar aggregate classification (germline): Pathogenic (1 of 4 stars; one submission).

Allele frequency attached by ClinVar (database versions not stated): gnomAD exomes below 0.00001.

Submission:

Labcorp Genetics (formerly Invitae), Labcorp
Classification: Pathogenic. Last evaluated: 2024-03-26. Review status: criteria provided, single submitter. Criteria: Invitae Variant Classification Sherloc (09022015). Collection method: clinical testing. Allele origin: germline.
Comment: This sequence change creates a premature translational stop signal (p.Met61Cysfs*17) in the ABCA4 gene. It is expected to result in an absent or disrupted protein product. Loss-of-function variants in ABCA4 are known to be pathogenic (PMID: 10958761, 24938718, 25312043, 26780318). This variant is not present in population databases (gnomAD no frequency). This premature translational stop signal has been observed in individual(s) with Stargardt disease (PMID: 29925512). For these reasons, this variant has been classified as Pathogenic.

Literature cited by the submitters: PubMed 10958761; PubMed 24938718; PubMed 25312043; PubMed 26780318; PubMed 29925512.

NM_000350.3(ABCA4):c.180del (p.Met61fs)

Gene: ABCA4 (ATP binding cassette subfamily A member 4; minus strand). Cytogenetic location: 1p22.1.
Variant type: Deletion.
Coding change: c.180del on transcript NM_000350.3 (MANE Select); coding-DNA position 180, one base deleted (G; older notation c.180delG).
Protein change: p.Met61fs; shifts the reading frame from methionine 61.
Molecular consequence: frameshift variant.
Genome position (GRCh38, 1-based): chr1:94,111,560, C deleted on the plus strand (G on the coding strand, the reverse complement: ABCA4 is on the minus strand). VCF-style (leftmost placement, unchanged base first): chr1-94111559-TC-T. GRCh37 (hg19) VCF-style: chr1-94577115-TC-T.
Other names: c.180delG, p.Met61Cysfs (NM_001425324.1); short protein forms M61fs.
Identifiers: ClinVar variation 2733952 (VCV002733952.3), dbSNP rs2524008077, ClinGen allele CA645372150.